The following is an entry in ClinVar:

NM_004360.5(CDH1):c.1806C>T (p.Phe602=)

Gene: CDH1 (cadherin 1; plus strand). Cytogenetic location: 16q22.1.
Variant type: single nucleotide variant.
Coding change: c.1806C>T on transcript NM_004360.5 (MANE Select); coding-DNA position 1806, C replaced by T.
Protein change: p.Phe602=; no amino-acid change (phenylalanine 602 retained).
Molecular consequence: synonymous variant. On other transcripts: 5 prime UTR variant (1).
Genome position (GRCh38, 1-based): chr16:68,822,095, C>T. VCF-style: chr16-68822095-C-T. GRCh37 (hg19) VCF-style: chr16-68855998-C-T.
Other names: c.1623C>T, p.Phe541= (NM_001317184.2); c.258C>T, p.Phe86= (NM_001317185.2); c.-160C>T (NM_001317186.2).
Identifiers: ClinVar variation 491515 (VCV000491515.4), dbSNP rs1357500785, ClinGen allele CA496392579.

ClinVar aggregate classification (germline): Benign/Likely benign. Review status: criteria provided, multiple submitters, no conflicts (2 of 4 stars). 2 submissions from 2 submitters: Benign (1); Likely benign (1). Last evaluated 2024-09-20.

Conditions:
Hereditary cancer-predisposing syndrome. Also called: Tumor predisposition; Neoplastic Syndromes, Hereditary; Hereditary Cancer Syndrome; Hereditary neoplastic syndrome. Identifiers: Orphanet 140162, MedGen C0027672, MeSH D009386, MONDO:0015356.
Hereditary diffuse gastric adenocarcinoma (HDGC). Also called: DIFFUSE GASTRIC AND LOBULAR BREAST CANCER SYNDROME. Identifiers: Orphanet 26106, MedGen C1708349, MONDO:0007648, OMIM 137215.

Allele frequency attached by ClinVar (database versions not stated): gnomAD exomes below 0.00001; TOPMed below 0.00001.

Submissions (2):

Myriad Genetics, Inc.
Classification: Benign for Hereditary diffuse gastric adenocarcinoma. Last evaluated: 2024-09-20. Review status: criteria provided, single submitter. Criteria: Myriad Autosomal Dominant, Autosomal Recessive and X-Linked Classification Criteria (2023). Collection method: clinical testing. Allele origin: unknown.
Comment: This variant is considered benign. This variant is a silent/synonymous amino acid change and it is not expected to impact splicing.

Color Diagnostics, LLC DBA Color Health
Classification: Likely benign for Hereditary cancer-predisposing syndrome. Last evaluated: 2017-06-22. Review status: criteria provided, single submitter. Criteria: ACMG Guidelines, 2015. Collection method: clinical testing. Allele origin: germline.